The following is an entry in ClinVar:

ClinVar aggregate classification (germline): Uncertain significance. Review status: criteria provided, multiple submitters, no conflicts (2 of 4 stars). 2 submissions from 2 submitters: Uncertain significance (2). Last evaluated 2026-05-12.

Conditions:
ALMS1-related disorder. Also called: ALMS1-related condition.
Alstrom syndrome (ALMS). Identifiers: Orphanet 64, MedGen C0268425, MONDO:0008763, OMIM 203800.

Submissions (2):

PreventionGenetics, part of Exact Sciences
Classification: Uncertain significance for ALMS1-related condition. Last evaluated: 2026-05-12. Review status: criteria provided, single submitter. Criteria: ACMG Guidelines, 2015. Collection method: clinical testing. Allele origin: germline.
Comment: The ALMS1 c.124G>A variant is predicted to result in the amino acid substitution p.Val42Ile. To our knowledge, this variant has not been reported in the literature. This variant is reported in 0.0025% of alleles in individuals of European (non-Finnish) descent in gnomAD. At this time, the clinical significance of this variant is uncertain due to the absence of conclusive functional and genetic evidence.

Labcorp Genetics (formerly Invitae), Labcorp
Classification: Uncertain significance for Alstrom syndrome. Last evaluated: 2022-03-26. Review status: criteria provided, single submitter. Criteria: Invitae Variant Classification Sherloc (09022015). Collection method: clinical testing. Allele origin: germline.
Comment: In summary, the available evidence is currently insufficient to determine the role of this variant in disease. Therefore, it has been classified as a Variant of Uncertain Significance. Experimental studies and prediction algorithms are not available or were not evaluated, and the functional significance of this variant is currently unknown. This variant has not been reported in the literature in individuals affected with ALMS1-related conditions. This variant is not present in population databases (gnomAD no frequency). This sequence change replaces valine, which is neutral and non-polar, with methionine, which is neutral and non-polar, at codon 42 of the ALMS1 protein (p.Val42Met).

NM_001378454.1(ALMS1):c.121G>A (p.Val41Met)

Gene: ALMS1 (ALMS1 centrosome and basal body associated protein; plus strand). Cytogenetic location: 2p13.1.
Variant type: single nucleotide variant.
Coding change: c.121G>A on transcript NM_001378454.1 (MANE Select); coding-DNA position 121, G replaced by A.
Protein change: p.Val41Met; replaces valine 41 with methionine.
Molecular consequence: missense variant.
Genome position (GRCh38, 1-based): chr2:73,385,989, G>A. VCF-style: chr2-73385989-G-A. GRCh37 (hg19) VCF-style: chr2-73613117-G-A.
Other names: c.124G>A, p.Val42Met (NM_015120.4); short protein forms V41M, V42M.
Identifiers: ClinVar variation 2145987 (VCV002145987.5), dbSNP rs201868751, ClinGen allele CA347250650.